The following is an entry in ClinVar:

ClinVar aggregate classification (germline): Uncertain significance (1 of 4 stars; one submission).

Conditions:
Methylmalonic acidemia with homocystinuria, type cblX (MAHCX). Also called: INTELLECTUAL DEVELOPMENTAL DISORDER, X-LINKED 3. Identifiers: Orphanet 369962, MedGen C0796208, MONDO:0010657, OMIM 309541.

Allele frequency attached by ClinVar (database versions not stated): gnomAD exomes 0.00001.

Submission:

Labcorp Genetics (formerly Invitae), Labcorp
Classification: Uncertain significance for Methylmalonic acidemia with homocystinuria, type cblX. Last evaluated: 2020-09-09. Review status: criteria provided, single submitter. Criteria: Invitae Variant Classification Sherloc (09022015). Collection method: clinical testing. Allele origin: germline.
Comment: In summary, the available evidence is currently insufficient to determine the role of this variant in disease. Therefore, it has been classified as a Variant of Uncertain Significance. Algorithms developed to predict the effect of missense changes on protein structure and function are either unavailable or do not agree on the potential impact of this missense change (SIFT: "Deleterious"; PolyPhen-2: "Probably Damaging"; Align-GVGD: "Class C0"). This variant has not been reported in the literature in individuals with HCFC1-related conditions. This variant is not present in population databases (ExAC no frequency). This sequence change replaces lysine with arginine at codon 1807 of the HCFC1 protein (p.Lys1807Arg). The lysine residue is highly conserved and there is a small physicochemical difference between lysine and arginine.

NM_005334.3(HCFC1):c.5420A>G (p.Lys1807Arg)

Gene: HCFC1 (host cell factor C1; minus strand). Cytogenetic location: Xq28.
Variant type: single nucleotide variant.
Coding change: c.5420A>G on transcript NM_005334.3 (MANE Select); coding-DNA position 5420, A replaced by G.
Protein change: p.Lys1807Arg; replaces lysine 1807 with arginine.
Molecular consequence: missense variant.
Genome position (GRCh38, 1-based): chrX:153,951,447, T>C on the plus strand (A>G on the coding strand, the complement: HCFC1 is on the minus strand). VCF-style: chrX-153951447-T-C. GRCh37 (hg19) VCF-style: chrX-153216898-T-C.
Other names: short protein forms K1807R.
Identifiers: ClinVar variation 1020996 (VCV001020996.9), dbSNP rs1557112412, ClinGen allele CA415104442.